The following is an entry in ClinVar:

NM_025137.4(SPG11):c.6187A>G (p.Thr2063Ala)

Gene: SPG11 (SPG11 vesicle trafficking associated, spatacsin; minus strand). Cytogenetic location: 15q21.1.
Variant type: single nucleotide variant.
Coding change: c.6187A>G on transcript NM_025137.4 (MANE Select); coding-DNA position 6187, A replaced by G.
Protein change: p.Thr2063Ala; replaces threonine 2063 with alanine.
Molecular consequence: missense variant. On other transcripts: intron variant (1).
Genome position (GRCh38, 1-based): chr15:44,573,565, T>C on the plus strand (A>G on the coding strand, the complement: SPG11 is on the minus strand). VCF-style: chr15-44573565-T-C. GRCh37 (hg19) VCF-style: chr15-44865763-T-C.
Other names: c.6043A>G, p.Thr2015Ala (NM_001411132.1); c.5867-745A>G (NM_001160227.2); short protein forms T2015A, T2063A.
Identifiers: ClinVar variation 2161559 (VCV002161559.2), dbSNP rs534248654, ClinGen allele CA7534245.

ClinVar aggregate classification (germline): Uncertain significance (1 of 4 stars; one submission).

Conditions:
Hereditary spastic paraplegia 11. Also called: Nakamura Osame syndrome; Autosomal recessive hereditary spastic paraplegia, mental impairment, and thin corpus callosum; SPASTIC PARAPLEGIA, AUTOSOMAL RECESSIVE, COMPLICATED, WITH THIN CORPUS CALLOSUM; SPASTIC PARAPLEGIA, AUTOSOMAL RECESSIVE, WITH MENTAL IMPAIRMENT AND THIN CORPUS CALLOSUM; Spastic Paraplegia 11; Spastic paraplegia, mental retardation and thin corpus callosum. Identifiers: Orphanet 2822, MedGen C1858479, MONDO:0011445, OMIM 604360.

Allele frequency attached by ClinVar (database versions not stated): TOPMed below 0.00001; gnomAD 0.00001; gnomAD exomes 0.00002; ExAC 0.00006; 1000 Genomes Project 30x 0.00016; 1000 Genomes Project 0.00020.
gnomAD v4.1: 27 of 1,614,134 alleles (0.0017%); highest among the groups gnomAD compares: South Asian, 0.023%; no homozygotes.

Submission:

Labcorp Genetics (formerly Invitae), Labcorp
Classification: Uncertain significance for Hereditary spastic paraplegia 11. Last evaluated: 2025-06-23. Review status: criteria provided, single submitter. Criteria: Invitae Variant Classification Sherloc (09022015). Collection method: clinical testing. Allele origin: germline.
Comment: This sequence change replaces threonine, which is neutral and polar, with alanine, which is neutral and non-polar, at codon 2063 of the SPG11 protein (p.Thr2063Ala). This variant is present in population databases (rs534248654, gnomAD 0.03%). This variant has not been reported in the literature in individuals affected with SPG11-related conditions. ClinVar contains an entry for this variant (Variation ID: 2161559). Invitae Evidence Modeling of protein sequence and biophysical properties (such as structural, functional, and spatial information, amino acid conservation, physicochemical variation, residue mobility, and thermodynamic stability) indicates that this missense variant is not expected to disrupt SPG11 protein function with a negative predictive value of 80%. In summary, the available evidence is currently insufficient to determine the role of this variant in disease. Therefore, it has been classified as a Variant of Uncertain Significance.